The following is an entry in ClinVar:

ClinVar aggregate classification (germline): Uncertain significance. Review status: criteria provided, multiple submitters, no conflicts (2 of 4 stars). 2 submissions from 2 submitters: Uncertain significance (2). Last evaluated 2026-06-01.

Conditions:
TJP2-related disorder. Also called: TJP2-related condition.

Allele frequency attached by ClinVar (database versions not stated): ExAC 0.00002; gnomAD 0.00002; gnomAD exomes 0.00002 and 0.00004; TOPMed 0.00003.
gnomAD v4.1: 35 of 1,614,048 alleles (0.0022%); highest among the groups gnomAD compares: Admixed American, 0.015%; no homozygotes.

Submissions (2):

PreventionGenetics, part of Exact Sciences
Classification: Uncertain significance for TJP2-related condition. Last evaluated: 2026-06-01. Review status: criteria provided, single submitter. Criteria: ACMG Guidelines, 2015. Collection method: clinical testing. Allele origin: germline.
Comment: The TJP2 c.3484G>A variant is predicted to result in the amino acid substitution p.Glu1162Lys. This variant has been reported in one patient with benign recurrent intrahepatic cholestasis together with a second missense variant of uncertain significance in this gene (Table S1, Zheng et al. 2023. PubMed ID: 37314652). This variant is reported in 0.017% of alleles in individuals of Latino descent in gnomAD. At this time, the clinical significance of this variant is uncertain due to the absence of conclusive functional and genetic evidence.

Eurofins Ntd Llc (ga)
Classification: Uncertain significance. Last evaluated: 2017-08-29. Review status: criteria provided, single submitter. Criteria: EGL Classification Definitions 2015. Collection method: clinical testing. Allele origin: germline. Observed: 1 variant allele, 1 heterozygote.

NM_004817.4(TJP2):c.3484G>A (p.Glu1162Lys)

Gene: TJP2 (tight junction protein 2; plus strand). Cytogenetic location: 9q21.11.
Variant type: single nucleotide variant.
Coding change: c.3484G>A on transcript NM_004817.4 (MANE Select); coding-DNA position 3484, G replaced by A.
Protein change: p.Glu1162Lys; replaces glutamic acid 1162 with lysine.
Molecular consequence: missense variant.
Genome position (GRCh38, 1-based): chr9:69,254,285, G>A. VCF-style: chr9-69254285-G-A. GRCh37 (hg19) VCF-style: chr9-71869201-G-A.
Other names: c.2974G>A, p.Glu992Lys (NM_001170414.2); c.3385G>A, p.Glu1129Lys (NM_001170415.1); c.3577G>A, p.Glu1193Lys (NM_001170416.2); c.3409G>A, p.Glu1137Lys (NM_001369870.1); c.3415G>A, p.Glu1139Lys (NM_001369871.1); c.3373G>A, p.Glu1125Lys (NM_001369872.1); c.3160G>A, p.Glu1054Lys (NM_001369873.1); c.3055G>A, p.Glu1019Lys (NM_001369874.1); and 4 more; short protein forms E1162K, E1015K, E1019K, E1054K, E1125K, E1129K, E1166K, E1137K.
Identifiers: ClinVar variation 593582 (VCV000593582.6), dbSNP rs769695480, ClinGen allele CA5073999.